The following is an entry in ClinVar:

ClinVar aggregate classification (germline): Uncertain significance. Review status: criteria provided, multiple submitters, no conflicts (2 of 4 stars). 2 submissions from 2 submitters: Uncertain significance (2). Last evaluated 2024-04-25.

Conditions:
Tuberous sclerosis syndrome (TSC). Also called: Tuberous Sclerosis Complex; Tuberous sclerosis. Identifiers: Orphanet 805, MedGen C0041341, MONDO:0001734.
Tuberous sclerosis 1 (TSC1). Identifiers: Orphanet 805, MedGen C1854465, MONDO:0008612, OMIM 191100.

Submissions (2):

All of Us Research Program, National Institutes of Health
Classification: Uncertain significance for Tuberous sclerosis syndrome. Last evaluated: 2024-04-25. Review status: criteria provided, single submitter. Criteria: ACMG Guidelines, 2015. Collection method: clinical testing. Allele origin: germline. Inheritance: Autosomal dominant inheritance. Observed: 1 variant allele, 1 heterozygote.
Comment: This missense variant replaces glutamic acid with glycine at codon 1017 of the TSC1 protein. Computational prediction suggests that this variant may not impact protein structure and function (internally defined REVEL score threshold <= 0.5, PMID: 27666373). To our knowledge, functional studies have not been reported for this variant. This variant has not been reported in individuals affected with TSC1-related disorders in the literature. This variant has not been identified in the general population by the Genome Aggregation Database (gnomAD). The available evidence is insufficient to determine the role of this variant in disease conclusively. Therefore, this variant is classified as a Variant of Uncertain Significance.

This study involves interpretation of variants in research participants for the purpose of population health screening. Participant phenotype was not available at the time of variant classification. Additional details can be found in publication PMID: 35346344, PMCID: PMC8962531

Labcorp Genetics (formerly Invitae), Labcorp
Classification: Uncertain significance for Tuberous sclerosis 1. Last evaluated: 2020-10-15. Review status: criteria provided, single submitter. Criteria: Invitae Variant Classification Sherloc (09022015). Collection method: clinical testing. Allele origin: germline.
Comment: In summary, the available evidence is currently insufficient to determine the role of this variant in disease. Therefore, it has been classified as a Variant of Uncertain Significance. Algorithms developed to predict the effect of missense changes on protein structure and function are either unavailable or do not agree on the potential impact of this missense change (SIFT: "Tolerated"; PolyPhen-2: "Possibly Damaging"; Align-GVGD: "Class C0"). This sequence change replaces glutamic acid with glycine at codon 1017 of the TSC1 protein (p.Glu1017Gly). The glutamic acid residue is highly conserved and there is a moderate physicochemical difference between glutamic acid and glycine. This variant is not present in population databases (ExAC no frequency). This variant has not been reported in the literature in individuals with TSC1-related conditions.

NM_000368.5(TSC1):c.3050A>G (p.Glu1017Gly)

Gene: TSC1 (TSC complex subunit 1; minus strand). Cytogenetic location: 9q34.13.
Variant type: single nucleotide variant.
Coding change: c.3050A>G on transcript NM_000368.5 (MANE Select); coding-DNA position 3050, A replaced by G.
Protein change: p.Glu1017Gly; replaces glutamic acid 1017 with glycine.
Molecular consequence: missense variant.
Genome position (GRCh38, 1-based): chr9:132,896,680, T>C on the plus strand (A>G on the coding strand, the complement: TSC1 is on the minus strand). VCF-style: chr9-132896680-T-C. GRCh37 (hg19) VCF-style: chr9-135772067-T-C.
Other names: c.3047A>G, p.Glu1016Gly (NM_001162426.2); c.2897A>G, p.Glu966Gly (NM_001162427.2); c.2687A>G, p.Glu896Gly (NM_001362177.2); short protein forms E1016G, E1017G, E896G, E966G.
Identifiers: ClinVar variation 1011040 (VCV001011040.9), dbSNP rs922638686, ClinGen allele CA200925723.